The following is an entry in ClinVar:

ClinVar aggregate classification (germline): Conflicting classifications of pathogenicity. Review status: criteria provided, conflicting classifications (1 of 4 stars). 2 submissions from 2 submitters: Uncertain significance (1); Likely benign (1). Last evaluated 2024-09-26.

Allele frequency attached by ClinVar (database versions not stated): 1000 Genomes Project 30x 0.00016; ESP Exome Variant Server 0.00017; 1000 Genomes Project 0.00020; TOPMed 0.00021; gnomAD 0.00033.

Submissions (2):

Ambry Genetics
Classification: Uncertain significance. Last evaluated: 2024-09-26. Review status: criteria provided, single submitter. Criteria: Ambry Variant Classification Scheme 2023. Collection method: clinical testing. Allele origin: germline.

CeGaT Center for Human Genetics Tuebingen
Classification: Likely benign. Last evaluated: 2022-07-01. Review status: criteria provided, single submitter. Criteria: CeGaT Center For Human Genetics Tuebingen Variant Classification Criteria Version 2. Collection method: clinical testing. Allele origin: germline. Affected: yes. Observed: 1 variant allele.
Comment: SPATA31D1: BP4

NM_001001670.3(SPATA31D1):c.2141G>A (p.Arg714His)

Gene: SPATA31D1 (SPATA31 subfamily D member 1; plus strand). Cytogenetic location: 9q21.32.
Variant type: single nucleotide variant.
Coding change: c.2141G>A on transcript NM_001001670.3 (MANE Select); coding-DNA position 2141, G replaced by A.
Protein change: p.Arg714His; replaces arginine 714 with histidine.
Molecular consequence: missense variant.
Genome position (GRCh38, 1-based): chr9:81,992,611, G>A. VCF-style: chr9-81992611-G-A. GRCh37 (hg19) VCF-style: chr9-84607526-G-A.
Other names: c.2141G>A (NM_001001670.2); short protein forms R714H.
Identifiers: ClinVar variation 2659277 (VCV002659277.26), dbSNP rs374174863, ClinGen allele CA5099135.